The following is an entry in ClinVar:

NM_005718.5(ARPC4):c.472C>T (p.Arg158Cys)

Genes: ARPC4 (actin related protein 2/3 complex subunit 4; plus strand), ARPC4-TTLL3 (ARPC4-TTLL3 readthrough; plus strand). Cytogenetic location: 3p25.3.
Variant type: single nucleotide variant.
Coding change: c.472C>T on transcript NM_005718.5 (MANE Select); coding-DNA position 472, C replaced by T.
Protein change: p.Arg158Cys; replaces arginine 158 with cysteine.
Molecular consequence: missense variant. On other transcripts: intron variant (1).
Genome position (GRCh38, 1-based): chr3:9,803,984, C>T. VCF-style: chr3-9803984-C-T. GRCh37 (hg19) VCF-style: chr3-9845668-C-T.
Other names: c.202C>T, p.Arg68Cys (NM_001024959.3, NM_001024960.3); c.529C>T, p.Arg177Cys (NM_001198780.3); c.330+2228C>T (NM_001198793.1); short protein forms R158C, R177C, R68C.
Identifiers: ClinVar variation 1339815 (VCV001339815.7), dbSNP rs2125650298, ClinGen allele CA351694908.

ClinVar aggregate classification (germline): Conflicting classifications of pathogenicity. Review status: criteria provided, conflicting classifications (1 of 4 stars). 4 submissions from 4 submitters: Pathogenic (1); Likely pathogenic (1); Uncertain significance (1). 1 of the submissions does not count toward it. Last evaluated 2025-10-15.

Conditions:
Developmental delay, language impairment, and ocular abnormalities (DEVLO). Identifiers: Orphanet 662762, MedGen C5774262, MONDO:0859324, OMIM 620141.
Inborn genetic diseases. Identifiers: MedGen C0950123, MeSH D030342.

Submissions (4):

Institute of Human Genetics, University of Leipzig Medical Center
Classification: Pathogenic for Developmental delay, language impairment, and ocular abnormalities. Last evaluated: 2025-10-15. Review status: criteria provided, single submitter. Criteria: ACMG Guidelines, 2015. Collection method: clinical testing. Allele origin: unknown. Inheritance: Autosomal dominant inheritance. Affected: yes.
Comment: Criteria applied: PS2_VSTR,PS4,PM2,PM5,PP3

SIB Swiss Institute of Bioinformatics
Classification: Likely pathogenic for Developmental delay, language impairment, and ocular abnormalities. Last evaluated: 2024-03-03. Review status: criteria provided, single submitter. Criteria: ACMG Guidelines, 2015. Collection method: curation. Allele origin: de novo. Affected: yes.
Comment: This variant is interpreted for Developmental delay, language impairment, and ocular abnormalities, autosomal dominant. The following ACMG Tag(s) were applied: Absent from controls (or at extremely low frequency if recessive) in gnomAD (PM2). Prevalence in affected individuals statistically increased over controls (PS4-moderate).De novo data (PM6). Multiple lines of computational evidence support a deleterious effect on the gene or gene product (PP3).

Ambry Genetics
Classification: Uncertain significance for Inborn genetic diseases. Last evaluated: 2021-12-07. Review status: criteria provided, single submitter. Criteria: Ambry General Variant Classification Scheme_2022. Collection method: clinical testing. Allele origin: germline. Observed: 1 variant allele.

OMIM
Classification: Pathogenic for DEVELOPMENTAL DELAY, LANGUAGE IMPAIRMENT, AND OCULAR ABNORMALITIES. Last evaluated: 2022-11-30. Review status: no assertion criteria provided. Collection method: literature only. Allele origin: germline. Not counted in ClinVar's aggregate classification.

Literature cited by the submitters: PubMed 35047857 (cited by SIB Swiss Institute of Bioinformatics and OMIM).